The following is an entry in ClinVar:

NM_002432.3(MNDA):c.148G>A (p.Asp50Asn)

Gene: MNDA (myeloid cell nuclear differentiation antigen; plus strand). Cytogenetic location: 1q23.1.
Variant type: single nucleotide variant.
Coding change: c.148G>A on transcript NM_002432.3 (MANE Select); coding-DNA position 148, G replaced by A.
Protein change: p.Asp50Asn; replaces aspartic acid 50 with asparagine.
Molecular consequence: missense variant.
Genome position (GRCh38, 1-based): chr1:158,842,301, G>A. VCF-style: chr1-158842301-G-A. GRCh37 (hg19) VCF-style: chr1-158812091-G-A.
Other names: short protein forms D50N.
Identifiers: ClinVar variation 3222176 (VCV003222176.1), dbSNP rs140390501, ClinGen allele CA343036905.

ClinVar aggregate classification (germline): Uncertain significance (1 of 4 stars; one submission).

gnomAD v4.1: 1 of 1,614,126 alleles (0.000062%); highest among the groups gnomAD compares: Non-Finnish European, 0.000085%; no homozygotes.

Submission:

Ambry Genetics
Classification: Uncertain significance. Last evaluated: 2024-03-06. Review status: criteria provided, single submitter. Criteria: Ambry Variant Classification Scheme 2023. Collection method: clinical testing. Allele origin: germline.
Comment: The p.D50N variant (also known as c.148G>A), located in coding exon 1 of the MNDA gene, results from a G to A substitution at nucleotide position 148. The aspartic acid at codon 50 is replaced by asparagine, an amino acid with highly similar properties. This amino acid position is conserved. In addition, this alteration is predicted to be tolerated by in silico analysis. Based on the available evidence, the clinical significance of this alteration remains unclear.